The following is an entry in ClinVar:

ClinVar aggregate classification (germline): Uncertain significance (1 of 4 stars; one submission).

gnomAD v4.1: 2 of 1,384,830 alleles (0.00014%); highest among the groups gnomAD compares: Non-Finnish European, 0.00019%; no homozygotes.

Submission:

Labcorp Genetics (formerly Invitae), Labcorp
Classification: Uncertain significance. Last evaluated: 2024-01-08. Review status: criteria provided, single submitter. Criteria: Invitae Variant Classification Sherloc (09022015). Collection method: clinical testing. Allele origin: germline.
Comment: This sequence change replaces glycine, which is neutral and non-polar, with serine, which is neutral and polar, at codon 101 of the HMX1 protein (p.Gly101Ser). This variant is not present in population databases (gnomAD no frequency). This variant has not been reported in the literature in individuals affected with HMX1-related conditions. ClinVar contains an entry for this variant (Variation ID: 1484962). Advanced modeling of protein sequence and biophysical properties (such as structural, functional, and spatial information, amino acid conservation, physicochemical variation, residue mobility, and thermodynamic stability) performed at Invitae indicates that this missense variant is not expected to disrupt HMX1 protein function with a negative predictive value of 80%. In summary, the available evidence is currently insufficient to determine the role of this variant in disease. Therefore, it has been classified as a Variant of Uncertain Significance.

NM_018942.3(HMX1):c.301G>A (p.Gly101Ser)

Gene: HMX1 (H6 family homeobox 1; minus strand). Cytogenetic location: 4p16.1.
Variant type: single nucleotide variant.
Coding change: c.301G>A on transcript NM_018942.3 (MANE Select); coding-DNA position 301, G replaced by A.
Protein change: p.Gly101Ser; replaces glycine 101 with serine.
Molecular consequence: missense variant.
Genome position (GRCh38, 1-based): chr4:8,871,314, C>T on the plus strand (G>A on the coding strand, the complement: HMX1 is on the minus strand). VCF-style: chr4-8871314-C-T. GRCh37 (hg19) VCF-style: chr4-8873040-C-T.
Other names: c.301G>A, p.Gly101Ser (NM_001306142.2); short protein forms G101S.
Identifiers: ClinVar variation 1484962 (VCV001484962.5), dbSNP rs1722208475, ClinGen allele CA356278913.
Genomic context (GRCh38, chr4:8,871,314, plus strand): 5'-GCGCCCGTGGGTACCAGCGCGCTGCGCCTCCGCAGCCCAGAGCGAAGGGCGGCCCGGGAC[C>T]GGGGGGCGGCCGAGGACCGAGGCCCAGCGCGCCCGGCCCGAGCAGCGCACGGGCCCGCGC-3'
Protein context (NP_061815.2, residues 91-111): ALGLGPRPPP[Gly101Ser]PGPPFALGCG